The following is an entry in ClinVar:

ClinVar aggregate classification (germline): Conflicting classifications of pathogenicity. Review status: criteria provided, conflicting classifications (1 of 4 stars). 2 submissions from 2 submitters: Uncertain significance (1); Likely benign (1). Last evaluated 2025-10-28.

gnomAD v4.1: 2 of 1,203,548 alleles (0.00017%); highest among the groups gnomAD compares: South Asian, 0.0036%; no homozygotes.

Submissions (2):

Dasa
Classification: Uncertain significance. Last evaluated: 2025-10-28. Review status: criteria provided, single submitter. Criteria: DASA Assertion Criteria. Collection method: clinical testing. Allele origin: germline.
Comment: NM_020922.5(WNK3):c.2137G>A (p.Val713Ile) is a missense variant that results in the substitution of valine with isoleucine. This variant is rare in population databases. Computational prediction algorithms are consistent with a benign effect. The currently available literature and clinical evidence are not sufficient to establish a definitive association between this variant and the reported condition. Therefore, this variant is classified as a variant of uncertain significance.

Ambry Genetics
Classification: Likely benign. Last evaluated: 2025-08-01. Review status: criteria provided, single submitter. Criteria: Ambry Variant Classification Scheme 2023. Collection method: clinical testing. Allele origin: germline.

NM_020922.5(WNK3):c.2137G>A (p.Val713Ile)

Gene: WNK3 (WNK lysine deficient protein kinase 3; minus strand). Cytogenetic location: Xp11.22.
Variant type: single nucleotide variant.
Coding change: c.2137G>A on transcript NM_020922.5 (MANE Select); coding-DNA position 2137, G replaced by A.
Protein change: p.Val713Ile; replaces valine 713 with isoleucine.
Molecular consequence: missense variant.
Genome position (GRCh38, 1-based): chrX:54,255,853, C>T on the plus strand (G>A on the coding strand, the complement: WNK3 is on the minus strand). VCF-style: chrX-54255853-C-T. GRCh37 (hg19) VCF-style: chrX-54282286-C-T.
Other names: c.2137G>A, p.Val713Ile (NM_001002838.4, NM_001395166.1); short protein forms V713I.
Identifiers: ClinVar variation 4201949 (VCV004201949.3).